The following is an entry in ClinVar:

ClinVar aggregate classification (germline): Likely pathogenic. Review status: no assertion criteria provided (0 of 4 stars). 2 submissions from 2 submitters: Likely pathogenic (1). 1 of the submissions does not count toward it. Last evaluated 2022-06-01.

Conditions:
Heart-hand syndrome, Slovenian type. Identifiers: Orphanet 168796, MedGen C1857829, MONDO:0012417, OMIM 610140.

Submissions (2):

Solve-RD Consortium
Classification: Likely pathogenic for Heart-hand syndrome, Slovenian type. Last evaluated: 2022-06-01. Review status: no assertion criteria provided. Collection method: provider interpretation. Allele origin: inherited. Affected: yes.
Comment: Variant confirmed as disease-causing by referring clinical team

Variant identified during reanalysis of unsolved cases by the Solve-RD project. The Solve-RD project has received funding from the European Union’s Horizon 2020 research and innovation programme under grant agreement No 779257.

Epithelial Biology;  Institute of Medical Biology, Singapore
No classification provided. Review status: no classification provided. Collection method: not provided. Allele origin: not provided. Not counted in ClinVar's aggregate classification.

Literature cited by the submitters: PubMed 39825153 (cited by Solve-RD Consortium).

NM_170707.4(LMNA):c.265C>T (p.Arg89Cys)

Gene: LMNA (lamin A/C; plus strand). Cytogenetic location: 1q22.
Variant type: single nucleotide variant.
Coding change: c.265C>T on transcript NM_170707.4 (MANE Select); coding-DNA position 265, C replaced by T.
Protein change: p.Arg89Cys; replaces arginine 89 with cysteine.
Molecular consequence: missense variant.
Genome position (GRCh38, 1-based): chr1:156,115,183, C>T. VCF-style: chr1-156115183-C-T. GRCh37 (hg19) VCF-style: chr1-156084974-C-T.
Other names: c.265C>T, p.Arg89Cys (NM_001282625.2, NM_001282626.2, NM_005572.4 and 1 more transcripts); short protein forms R89C.
Identifiers: ClinVar variation 66883 (VCV000066883.2), dbSNP rs267607559, ClinGen allele CA017826.